The following is an entry in ClinVar:

ClinVar aggregate classification (germline): Uncertain significance (1 of 4 stars; one submission).

Submission:

Mayo Clinic Laboratories, Mayo Clinic
Classification: Uncertain significance. Last evaluated: 2024-12-23. Review status: criteria provided, single submitter. Criteria: ACMG Guidelines, 2015. Collection method: clinical testing. Allele origin: germline. Observed: 1 variant allele.
Comment: PM2_supporting

NM_033004.4(NLRP1):c.3134-13_3134-9del

Gene: NLRP1 (NLR family pyrin domain containing 1; minus strand). Cytogenetic location: 17p13.2.
Variant type: Deletion.
Coding change: c.3134-13_3134-9del on transcript NM_033004.4 (MANE Select); 13 bases into the intron before coding-DNA position 3134 through 9 bases into the intron before coding-DNA position 3134, 5 bases deleted (CTTGC; older notation c.3134-13_3134-9delCTTGC).
Molecular consequence: intron variant.
Genome position (GRCh38, 1-based): chr17:5,532,993-5,532,997, GCAAG deleted on the plus strand (CTTGC on the coding strand, the reverse complement: NLRP1 is on the minus strand); deleting any 5 consecutive bases within chr17:5,532,993-5,533,000 gives the same sequence; the c. name uses the placement nearest the transcript's 3' end. VCF-style (leftmost placement, unchanged base first): chr17-5532992-AGCAAG-A. GRCh37 (hg19) VCF-style: chr17-5436312-AGCAAG-A.
Other names: p.?; c.3146-13_3146-9del (NM_001033053.3); c.3044-13_3044-9del (NM_033007.4, NM_033006.4); c.3134-13_3134-9del (NM_014922.5).
Identifiers: ClinVar variation 4542118 (VCV004542118.1).